The following is an entry in ClinVar:

NM_001267550.2(TTN):c.39287C>G (p.Pro13096Arg)

Gene: TTN (titin; minus strand). Cytogenetic location: 2q31.2.
Variant type: single nucleotide variant.
Coding change: c.39287C>G on transcript NM_001267550.2 (MANE Select); coding-DNA position 39287, C replaced by G.
Protein change: p.Pro13096Arg; replaces proline 13096 with arginine.
Molecular consequence: missense variant. On other transcripts: intron variant (3).
Genome position (GRCh38, 1-based): chr2:178,652,104, G>C on the plus strand (C>G on the coding strand, the complement: TTN is on the minus strand). VCF-style: chr2-178652104-G-C. GRCh37 (hg19) VCF-style: chr2-179516831-G-C.
Other names: c.31985C>G, p.Pro10662Arg (NM_133378.4); c.13283-9787C>G (NM_003319.4); c.13859-9787C>G (NM_133437.4); c.13658-9787C>G (NM_133432.3); c.34766C>G, p.Pro11589Arg (NM_001256850.1); short protein forms P10662R, P11589R, P13096R.
Identifiers: ClinVar variation 4534696 (VCV004534696.6).

ClinVar aggregate classification (germline): Uncertain significance (1 of 4 stars; one submission).

gnomAD v4.1: 9 of 1,613,028 alleles (0.00056%); highest among the groups gnomAD compares: Non-Finnish European, 0.00068%; no homozygotes.

Submission:

CeGaT Center for Human Genetics Tuebingen
Classification: Uncertain significance. Last evaluated: 2025-10-01. Review status: criteria provided, single submitter. Criteria: CeGaT Center For Human Genetics Tuebingen Variant Classification Criteria Version 2. Collection method: clinical testing. Allele origin: germline. Affected: yes. Observed: 1 variant allele.
Comment: TTN: PM2, BP4